The following is an entry in ClinVar:

NM_001128840.3(CACNA1D):c.5993C>A (p.Thr1998Asn)

Gene: CACNA1D (calcium voltage-gated channel subunit alpha1 D; plus strand). Cytogenetic location: 3p21.1.
Variant type: single nucleotide variant.
Coding change: c.5993C>A on transcript NM_001128840.3 (MANE Select); coding-DNA position 5993, C replaced by A.
Protein change: p.Thr1998Asn; replaces threonine 1998 with asparagine.
Molecular consequence: missense variant.
Genome position (GRCh38, 1-based): chr3:53,810,099, C>A. VCF-style: chr3-53810099-C-A. GRCh37 (hg19) VCF-style: chr3-53844126-C-A.
Other names: c.6053C>A, p.Thr2018Asn (NM_000720.4); c.5921C>A, p.Thr1974Asn (NM_001128839.3); short protein forms T1974N, T1998N, T2018N.
Identifiers: ClinVar variation 1337525 (VCV001337525.10), dbSNP rs141581705, ClinGen allele CA2455340.

ClinVar aggregate classification (germline): Conflicting classifications of pathogenicity. Review status: criteria provided, conflicting classifications (1 of 4 stars). 3 submissions from 3 submitters: Uncertain significance (2); Likely benign (1). Last evaluated 2026-01-13.

Conditions:
Dystonia, early-onset, and/or spastic paraplegia. Identifiers: MedGen C5562051, MONDO:0859215, OMIM 619681.

Allele frequency attached by ClinVar (database versions not stated): ExAC 0.00021; ESP Exome Variant Server 0.00054.
gnomAD v4.1: 930 of 1,613,692 alleles (0.058%); highest among the groups gnomAD compares: Non-Finnish European, 0.077%; 1 homozygote.

Submissions (3):

Labcorp Genetics (formerly Invitae), Labcorp
Classification: Uncertain significance. Last evaluated: 2026-01-13. Review status: criteria provided, single submitter. Criteria: Invitae Variant Classification Sherloc (09022015). Collection method: clinical testing. Allele origin: germline.
Comment: This sequence change replaces threonine, which is neutral and polar, with asparagine, which is neutral and polar, at codon 2018 of the CACNA1D protein (p.Thr2018Asn). This variant is present in population databases (rs141581705, gnomAD 0.05%), including at least one homozygous and/or hemizygous individual. This variant has not been reported in the literature in individuals affected with CACNA1D-related conditions. ClinVar contains an entry for this variant (Variation ID: 1337525). An algorithm developed to predict the effect of missense changes on protein structure and function (PolyPhen-2) suggests that this variant is likely to be disruptive. In summary, the available evidence is currently insufficient to determine the role of this variant in disease. Therefore, it has been classified as a Variant of Uncertain Significance.

Genetic Services Laboratory, University of Chicago
Classification: Uncertain significance. Last evaluated: 2021-02-25. Review status: criteria provided, single submitter. Criteria: ACMG Guidelines, 2015. Collection method: clinical testing. Allele origin: germline. Affected: no.

Cambridge Genomics Laboratory, East Genomic Laboratory Hub, NHS Genomic Medicine Service
Classification: Likely benign for Dystonia, early-onset, and/or spastic paraplegia. Last evaluated: 2019-04-29. Review status: criteria provided, single submitter. Criteria: ACGS Best Practice Guidelines for Variant Classification in Rare Disease 2020. Collection method: clinical testing. Allele origin: germline. Affected: yes. Observed: 1 variant allele.